The following is an entry in ClinVar:

NM_015884.4(MBTPS2):c.1369A>G (p.Ile457Val)

Gene: MBTPS2 (membrane bound transcription factor peptidase, site 2; plus strand). Cytogenetic location: Xp22.12.
Variant type: single nucleotide variant.
Coding change: c.1369A>G on transcript NM_015884.4 (MANE Select); coding-DNA position 1369, A replaced by G.
Protein change: p.Ile457Val; replaces isoleucine 457 with valine.
Molecular consequence: missense variant.
Genome position (GRCh38, 1-based): chrX:21,882,464, A>G. VCF-style: chrX-21882464-A-G. GRCh37 (hg19) VCF-style: chrX-21900582-A-G.
Other names: short protein forms I457V.
Identifiers: ClinVar variation 3900799 (VCV003900799.1).
Genomic context (GRCh38, chrX:21,882,464, plus strand): 5'-AGTTGGTTCCTTAACTGATTTTAACCCAGGTACCTGATTTCCCTCTCAGGAGCTCTGGCT[A>G]TTGTTAATGCAGTACCCTGCTTTGCTTTGGATGGACAATGGATTCTAAACTCTTTCTTGG-3'
Protein context (NP_056968.1, residues 447-467): YLISLSGALA[Ile457Val]VNAVPCFALD

ClinVar aggregate classification (germline): Uncertain significance (1 of 4 stars; one submission).

gnomAD v4.1: 2 of 1,209,935 alleles (0.00017%); highest among the groups gnomAD compares: African/African-American, 0.0017%; no homozygotes.

Submission:

GeneDx
Classification: Uncertain significance. Last evaluated: 2024-12-02. Review status: criteria provided, single submitter. Criteria: GeneDx Variant Classification Process June 2021. Collection method: clinical testing. Allele origin: germline. Affected: yes.
Comment: Not observed at significant frequency in large population cohorts (gnomAD); In silico analysis indicates that this missense variant does not alter protein structure/function; Has not been previously published as pathogenic or benign to our knowledge